The following is an entry in ClinVar:

NC_000002.12:g.(?_9509959)_(9510151_?)dup

Gene: ADAM17 (ADAM metallopeptidase domain 17; minus strand). Cytogenetic location: 2p25.1.
Variant type: Duplication.
Identifiers: ClinVar variation 832696 (VCV000832696.4).

ClinVar aggregate classification (germline): Uncertain significance (1 of 4 stars; one submission).

Conditions:
Inflammatory skin and bowel disease, neonatal, 1. Identifiers: Orphanet 294023, MedGen C3280501, MONDO:0013693, OMIM 614328.

Submission:

Labcorp Genetics (formerly Invitae), Labcorp
Classification: Uncertain significance for Inflammatory skin and bowel disease, neonatal, 1. Last evaluated: 2019-01-22. Review status: criteria provided, single submitter. Criteria: Invitae Variant Classification Sherloc (09022015). Collection method: clinical testing. Allele origin: germline.
Comment: In summary, the available evidence is currently insufficient to determine the role of this variant in disease. Therefore, it has been classified as a Variant of Uncertain Significance. This variant has not been reported in the literature in individuals with ADAM17-related conditions. This variant results in a copy number gain of the genomic region encompassing exon 11 of the ADAM17 gene. While the exact position of this variant cannot be determined from this data, sub-genic copy number gains are generally in tandem (PMID: 25640679). This variant would be expected to be in-frame, preserving the integrity of the reading frame.

Literature cited by the submitters: PubMed 25640679.